The following is an entry in ClinVar:

NM_003334.4(UBA1):c.1420-8C>T

Gene: UBA1 (ubiquitin like modifier activating enzyme 1; plus strand). Cytogenetic location: Xp11.3.
Variant type: single nucleotide variant.
Coding change: c.1420-8C>T on transcript NM_003334.4 (MANE Select); 8 bases into the intron before coding-DNA position 1420, C replaced by T.
Molecular consequence: intron variant.
Genome position (GRCh38, 1-based): chrX:47,203,533, C>T. VCF-style: chrX-47203533-C-T. GRCh37 (hg19) VCF-style: chrX-47062932-C-T.
Other names: c.1420-8C>T (NM_153280.3).
Identifiers: ClinVar variation 465031 (VCV000465031.34), dbSNP rs782038176, ClinGen allele CA10395919.

ClinVar aggregate classification (germline): Likely benign. Review status: criteria provided, multiple submitters, no conflicts (2 of 4 stars). 2 submissions from 2 submitters: Likely benign (2). Last evaluated 2025-08-18.

Conditions:
Infantile-onset X-linked spinal muscular atrophy. Also called: Spinal muscular atrophy, X-linked 2; AMC, DISTAL, X-LINKED; ARTHROGRYPOSIS, X-LINKED, TYPE I; SPINAL MUSCULAR ATROPHY, X-LINKED LETHAL INFANTILE; Spinal Muscular Atrophy, X-Linked Infantile. Identifiers: Orphanet 1145, MedGen C1844934, MONDO:0010532, OMIM 301830.

Allele frequency attached by ClinVar (database versions not stated): ExAC 0.00001; gnomAD 0.00001 and 0.00002; gnomAD exomes 0.00002 and 0.00004; TOPMed 0.00002.
gnomAD v4.1: 50 of 1,209,349 alleles (0.0041%); highest among the groups gnomAD compares: Non-Finnish European, 0.0049%; no homozygotes.

Submissions (2):

Labcorp Genetics (formerly Invitae), Labcorp
Classification: Likely benign for Infantile-onset X-linked spinal muscular atrophy. Last evaluated: 2025-08-18. Review status: criteria provided, single submitter. Criteria: Invitae Variant Classification Sherloc (09022015). Collection method: clinical testing. Allele origin: germline.

CeGaT Center for Human Genetics Tuebingen
Classification: Likely benign. Last evaluated: 2023-07-01. Review status: criteria provided, single submitter. Criteria: CeGaT Center For Human Genetics Tuebingen Variant Classification Criteria Version 2. Collection method: clinical testing. Allele origin: germline. Affected: yes. Observed: 1 variant allele.
Comment: UBA1: BP4